The following is an entry in ClinVar:

NM_001365536.1(SCN9A):c.4077T>C (p.Phe1359=)

Genes: SCN9A (sodium voltage-gated channel alpha subunit 9; minus strand), SCN1A-AS1 (SCN1A and SCN9A antisense RNA 1; plus strand). Cytogenetic location: 2q24.3.
Variant type: single nucleotide variant.
Coding change: c.4077T>C on transcript NM_001365536.1 (MANE Select); coding-DNA position 4077, T replaced by C.
Protein change: p.Phe1359=; no amino-acid change (phenylalanine 1359 retained).
Molecular consequence: synonymous variant.
Genome position (GRCh38, 1-based): chr2:166,228,820, A>G on the plus strand (T>C on the coding strand, the complement: SCN9A is on the minus strand). VCF-style: chr2-166228820-A-G. GRCh37 (hg19) VCF-style: chr2-167085330-A-G.
Other names: c.4044T>C, p.Phe1348= (NM_002977.4).
Identifiers: ClinVar variation 623986 (VCV000623986.53), dbSNP rs1205678504, ClinGen allele CA429899220.

ClinVar aggregate classification (germline): Likely benign. Review status: criteria provided, multiple submitters, no conflicts (2 of 4 stars). 3 submissions from 3 submitters: Likely benign (3). Last evaluated 2025-09-27.

Conditions:
Generalized epilepsy with febrile seizures plus, type 7 (GEFSP7). Also called: GEFS+, TYPE 7. Identifiers: Orphanet 36387, MedGen C2751778, MONDO:0013470, OMIM 613863.
Neuropathy, hereditary sensory and autonomic, type 2A (HSAN2A). Also called: MORVAN DISEASE; NEUROPATHY, CONGENITAL SENSORY; NEUROPATHY, HEREDITARY SENSORY RADICULAR, AUTOSOMAL RECESSIVE; NEUROPATHY, HEREDITARY SENSORY, TYPE IIA; NEUROPATHY, PROGRESSIVE SENSORY, OF CHILDREN; HSAN IIA. Identifiers: Orphanet 970, MedGen C2752089, MONDO:0024309, OMIM 201300.

Allele frequency attached by ClinVar (database versions not stated): TOPMed below 0.00001; gnomAD exomes 0.00001.
gnomAD v4.1: 21 of 1,613,976 alleles (0.0013%); highest among the groups gnomAD compares: Middle Eastern, 0.049%; no homozygotes.

Submissions (3):

Labcorp Genetics (formerly Invitae), Labcorp
Classification: Likely benign for Neuropathy, hereditary sensory and autonomic, type 2A; Generalized epilepsy with febrile seizures plus, type 7. Last evaluated: 2025-09-27. Review status: criteria provided, single submitter. Criteria: Invitae Variant Classification Sherloc (09022015). Collection method: clinical testing. Allele origin: germline.

Blueprint Genetics
Classification: Likely benign. Last evaluated: 2022-11-11. Review status: criteria provided, single submitter. Criteria: ACMG Guidelines, 2015. Collection method: clinical testing. Allele origin: germline.

CeGaT Center for Human Genetics Tuebingen
Classification: Likely benign. Last evaluated: 2022-11-01. Review status: criteria provided, single submitter. Criteria: CeGaT Center For Human Genetics Tuebingen Variant Classification Criteria Version 2. Collection method: clinical testing. Allele origin: germline. Affected: yes. Observed: 3 variant alleles.
Comment: SCN9A: BP4, BP7